The following is an entry in ClinVar:

ClinVar aggregate classification (germline): Uncertain significance (1 of 4 stars; one submission).

Conditions:
Charcot-Marie-Tooth disease dominant intermediate C (CMTDIC). Also called: CHARCOT-MARIE-TOOTH NEUROPATHY, DOMINANT INTERMEDIATE C. Identifiers: Orphanet 100045, MedGen C1842237, MONDO:0012012, OMIM 608323.

Allele frequency attached by ClinVar (database versions not stated): gnomAD exomes below 0.00001.
gnomAD v4.1: 1 of 1,614,120 alleles (0.000062%); highest among the groups gnomAD compares: Non-Finnish European, 0.000085%; no homozygotes.

Submission:

Labcorp Genetics (formerly Invitae), Labcorp
Classification: Uncertain significance for Charcot-Marie-Tooth disease dominant intermediate C. Last evaluated: 2022-10-07. Review status: criteria provided, single submitter. Criteria: Invitae Variant Classification Sherloc (09022015). Collection method: clinical testing. Allele origin: germline.
Comment: This sequence change replaces tyrosine, which is neutral and polar, with cysteine, which is neutral and slightly polar, at codon 129 of the YARS protein (p.Tyr129Cys). This variant is not present in population databases (gnomAD no frequency). This variant has not been reported in the literature in individuals affected with YARS-related conditions. Advanced modeling of protein sequence and biophysical properties (such as structural, functional, and spatial information, amino acid conservation, physicochemical variation, residue mobility, and thermodynamic stability) performed at Invitae indicates that this missense variant is expected to disrupt YARS protein function. In summary, the available evidence is currently insufficient to determine the role of this variant in disease. Therefore, it has been classified as a Variant of Uncertain Significance.

NM_003680.4(YARS1):c.386A>G (p.Tyr129Cys)

Gene: YARS1 (tyrosyl-tRNA synthetase 1; minus strand). Cytogenetic location: 1p35.1.
Variant type: single nucleotide variant.
Coding change: c.386A>G on transcript NM_003680.4 (MANE Select); coding-DNA position 386, A replaced by G.
Protein change: p.Tyr129Cys; replaces tyrosine 129 with cysteine.
Molecular consequence: missense variant.
Genome position (GRCh38, 1-based): chr1:32,806,606, T>C on the plus strand (A>G on the coding strand, the complement: YARS1 is on the minus strand). VCF-style: chr1-32806606-T-C. GRCh37 (hg19) VCF-style: chr1-33272207-T-C.
Other names: short protein forms Y129C.
Identifiers: ClinVar variation 2034500 (VCV002034500.4), dbSNP rs2523426810, ClinGen allele CA339686965.